The following is an entry in ClinVar:

ClinVar aggregate classification (germline): Likely benign (1 of 4 stars; one submission).

Allele frequency attached by ClinVar (database versions not stated): 1000 Genomes Project 30x 0.00172; 1000 Genomes Project 0.00180; TOPMed 0.00248; gnomAD 0.00295; ESP Exome Variant Server 0.00301; ExAC 0.00366.
gnomAD v4.1: 6,912 of 1,612,628 alleles (0.43%); highest among the groups gnomAD compares: Non-Finnish European, 0.5%; 18 homozygotes.

Submission:

CeGaT Center for Human Genetics Tuebingen
Classification: Likely benign. Last evaluated: 2026-06-01. Review status: criteria provided, single submitter. Criteria: CeGaT Center For Human Genetics Tuebingen Variant Classification Criteria Version 2. Collection method: clinical testing. Allele origin: germline. Affected: yes. Observed: 13 variant alleles.
Comment: MN1: BS2

NM_002430.3(MN1):c.3550G>C (p.Glu1184Gln)

Gene: MN1 (MN1 proto-oncogene, transcriptional regulator; minus strand). Cytogenetic location: 22q12.1.
Variant type: single nucleotide variant.
Coding change: c.3550G>C on transcript NM_002430.3 (MANE Select); coding-DNA position 3550, G replaced by C.
Protein change: p.Glu1184Gln; replaces glutamic acid 1184 with glutamine.
Molecular consequence: missense variant.
Genome position (GRCh38, 1-based): chr22:27,796,994, C>G on the plus strand (G>C on the coding strand, the complement: MN1 is on the minus strand). VCF-style: chr22-27796994-C-G. GRCh37 (hg19) VCF-style: chr22-28192982-C-G.
Other names: short protein forms E1184Q.
Identifiers: ClinVar variation 2653012 (VCV002653012.24), dbSNP rs45589739, ClinGen allele CA10166037.